The following is an entry in ClinVar:

ClinVar aggregate classification (germline): Uncertain significance (1 of 4 stars; one submission).

Submission:

Labcorp Genetics (formerly Invitae), Labcorp
Classification: Uncertain significance. Last evaluated: 2023-04-14. Review status: criteria provided, single submitter. Criteria: Invitae Variant Classification Sherloc (09022015). Collection method: clinical testing. Allele origin: germline.
Comment: This sequence change replaces glutamine, which is neutral and polar, with glutamic acid, which is acidic and polar, at codon 1942 of the SCN3A protein (p.Gln1942Glu). In summary, the available evidence is currently insufficient to determine the role of this variant in disease. Therefore, it has been classified as a Variant of Uncertain Significance. Advanced modeling of protein sequence and biophysical properties (such as structural, functional, and spatial information, amino acid conservation, physicochemical variation, residue mobility, and thermodynamic stability) performed at Invitae indicates that this missense variant is not expected to disrupt SCN3A protein function. This variant has not been reported in the literature in individuals affected with SCN3A-related conditions. This variant is not present in population databases (gnomAD no frequency).

NM_006922.4(SCN3A):c.5824C>G (p.Gln1942Glu)

Gene: SCN3A (sodium voltage-gated channel alpha subunit 3; minus strand). Cytogenetic location: 2q24.3.
Variant type: single nucleotide variant.
Coding change: c.5824C>G on transcript NM_006922.4 (MANE Select); coding-DNA position 5824, C replaced by G.
Protein change: p.Gln1942Glu; replaces glutamine 1942 with glutamic acid.
Molecular consequence: missense variant.
Genome position (GRCh38, 1-based): chr2:165,090,329, G>C on the plus strand (C>G on the coding strand, the complement: SCN3A is on the minus strand). VCF-style: chr2-165090329-G-C. GRCh37 (hg19) VCF-style: chr2-165946839-G-C.
Other names: c.5677C>G, p.Gln1893Glu (NM_001081676.2, NM_001081677.2); short protein forms Q1893E, Q1942E.
Identifiers: ClinVar variation 2891396 (VCV002891396.3), dbSNP rs1431851839, ClinGen allele CA349009542.